The following is an entry in ClinVar:

ClinVar aggregate classification (germline): Uncertain significance (1 of 4 stars; one submission).

Conditions:
Autosomal recessive distal spinal muscular atrophy 2. Also called: NEUROPATHY, DISTAL HEREDITARY MOTOR, AUTOSOMAL RECESSIVE 2; NEURONOPATHY, DISTAL HEREDITARY MOTOR, JERASH TYPE; NEUROPATHY, DISTAL HEREDITARY MOTOR, JERASH TYPE; SPINAL MUSCULAR ATROPHY, JERASH TYPE; Hereditary motor neuropathy, Jerash type; Motor neuropathy, distal, Jerash type. Identifiers: Orphanet 139552, MedGen C1854023, MONDO:0011585, OMIM 605726.
Amyotrophic lateral sclerosis type 16. Also called: AMYOTROPHIC LATERAL SCLEROSIS 16, JUVENILE. Identifiers: Orphanet 300605, MedGen C3280587, MONDO:0013715, OMIM 614373.

Allele frequency attached by ClinVar (database versions not stated): gnomAD exomes below 0.00001.
gnomAD v4.1: 2 of 1,565,182 alleles (0.00013%); highest among the groups gnomAD compares: Non-Finnish European, 0.00017%; no homozygotes.

Submission:

Labcorp Genetics (formerly Invitae), Labcorp
Classification: Uncertain significance for Autosomal recessive distal spinal muscular atrophy 2; Amyotrophic lateral sclerosis type 16. Last evaluated: 2021-02-17. Review status: criteria provided, single submitter. Criteria: Invitae Variant Classification Sherloc (09022015). Collection method: clinical testing. Allele origin: germline.
Comment: In summary, the available evidence is currently insufficient to determine the role of this variant in disease. Therefore, it has been classified as a Variant of Uncertain Significance. Algorithms developed to predict the effect of missense changes on protein structure and function (SIFT, PolyPhen-2, Align-GVGD) all suggest that this variant is likely to be tolerated, but these predictions have not been confirmed by published functional studies and their clinical significance is uncertain. This variant has not been reported in the literature in individuals with SIGMAR1-related conditions. This variant is not present in population databases (ExAC no frequency). This sequence change replaces valine with leucine at codon 36 of the SIGMAR1 protein (p.Val36Leu). The valine residue is highly conserved and there is a small physicochemical difference between valine and leucine.

NM_005866.4(SIGMAR1):c.106G>C (p.Val36Leu)

Genes: SIGMAR1 (sigma receptor chaperone 1; minus strand), LOC130001681 (ATAC-STARR-seq lymphoblastoid silent region 19853; plus strand). Cytogenetic location: 9p13.3.
Variant type: single nucleotide variant.
Coding change: c.106G>C on transcript NM_005866.4 (MANE Select); coding-DNA position 106, G replaced by C.
Protein change: p.Val36Leu; replaces valine 36 with leucine.
Molecular consequence: missense variant. On other transcripts: 5 prime UTR variant (1), non-coding transcript variant (1), intron variant (1).
Genome position (GRCh38, 1-based): chr9:34,637,592, C>G on the plus strand (G>C on the coding strand, the complement: SIGMAR1 is on the minus strand). VCF-style: chr9-34637592-C-G. GRCh37 (hg19) VCF-style: chr9-34637589-C-G.
Other names: c.106G>C, p.Val36Leu (NM_001282205.2, NM_001282208.2, NM_001282209.2 and 1 more transcripts); c.-148G>C (NM_001282206.2); c.91+15G>C (NM_001282207.2); short protein forms V36L.
Identifiers: ClinVar variation 1481294 (VCV001481294.8), dbSNP rs2132330402, ClinGen allele CA373275546.